The following is an entry in ClinVar:

ClinVar aggregate classification (germline): Uncertain significance. Review status: criteria provided, multiple submitters, no conflicts (2 of 4 stars). 2 submissions from 2 submitters: Uncertain significance (2). Last evaluated 2022-02-27.

Conditions:
Hereditary cancer-predisposing syndrome. Also called: Neoplastic Syndromes, Hereditary; Tumor predisposition; Hereditary Cancer Syndrome; Hereditary neoplastic syndrome. Identifiers: Orphanet 140162, MedGen C0027672, MeSH D009386, MONDO:0015356.

Submissions (2):

Ambry Genetics
Classification: Uncertain significance for Hereditary cancer-predisposing syndrome. Last evaluated: 2022-02-27. Review status: criteria provided, single submitter. Criteria: Ambry Variant Classification Scheme 2023. Collection method: clinical testing. Allele origin: germline.
Comment: The p.W708R variant (also known as c.2122T>A), located in coding exon 14 of the BRIP1 gene, results from a T to A substitution at nucleotide position 2122. The tryptophan at codon 708 is replaced by arginine, an amino acid with dissimilar properties. This amino acid position is highly conserved in available vertebrate species. In addition, this alteration is predicted to be deleterious by in silico analysis. Since supporting evidence is limited at this time, the clinical significance of this alteration remains unclear.

Color Diagnostics, LLC DBA Color Health
Classification: Uncertain significance for Hereditary cancer-predisposing syndrome. Last evaluated: 2020-03-06. Review status: criteria provided, single submitter. Criteria: ACMG Guidelines, 2015. Collection method: clinical testing. Allele origin: germline.
Comment: This missense variant replaces tryptophan with arginine at codon 708 of the BRIP1 protein. Computational prediction suggests that this variant may have deleterious impact on protein structure and function (internally defined REVEL score threshold >= 0.7, PMID: 27666373). Splice site prediction tools suggest that this variant may not impact RNA splicing. To our knowledge, functional studies have not been reported for this variant. This variant has not been reported in individuals affected with hereditary cancer in the literature. This variant has not been identified in the general population by the Genome Aggregation Database (gnomAD). The available evidence is insufficient to determine the role of this variant in disease conclusively. Therefore, this variant is classified as a Variant of Uncertain Significance.

NM_032043.3(BRIP1):c.2122T>A (p.Trp708Arg)

Gene: BRIP1 (BRCA1 interacting DNA helicase 1; minus strand). Cytogenetic location: 17q23.2.
Variant type: single nucleotide variant.
Coding change: c.2122T>A on transcript NM_032043.3 (MANE Select); coding-DNA position 2122, T replaced by A.
Protein change: p.Trp708Arg; replaces tryptophan 708 with arginine.
Molecular consequence: missense variant.
Genome position (GRCh38, 1-based): chr17:61,744,567, A>T on the plus strand (T>A on the coding strand, the complement: BRIP1 is on the minus strand). VCF-style: chr17-61744567-A-T. GRCh37 (hg19) VCF-style: chr17-59821928-A-T.
Other names: short protein forms W708R.
Identifiers: ClinVar variation 919265 (VCV000919265.5), dbSNP rs2077034073, ClinGen allele CA400483299.
Genomic context (GRCh38, chr17:61,744,567, plus strand): 5'-GTGGTTCTACAATGACTGTCTTCACCAACTCCAGATTATGCCATAAACCAGTAGAGAGCC[A>T]ACGTTCTTTTAATTTTTCTAATAACTAAAGAGGGGAAAGAAAAAAATGATTTTTTGTGTG-3'
Protein context (NP_114432.2, residues 698-718): YKLLEKLKER[Trp708Arg]LSTGLWHNLE